The following is an entry in ClinVar:

NM_002439.5(MSH3):c.1127A>T (p.Glu376Val)

Gene: MSH3 (mutS homolog 3; plus strand). Cytogenetic location: 5q14.1.
Variant type: single nucleotide variant.
Coding change: c.1127A>T on transcript NM_002439.5 (MANE Select); coding-DNA position 1127, A replaced by T.
Protein change: p.Glu376Val; replaces glutamic acid 376 with valine.
Molecular consequence: missense variant.
Genome position (GRCh38, 1-based): chr5:80,675,082, A>T. VCF-style: chr5-80675082-A-T. GRCh37 (hg19) VCF-style: chr5-79970901-A-T.
Other names: short protein forms E376V.
Identifiers: ClinVar variation 863825 (VCV000863825.10), dbSNP rs71539685, ClinGen allele CA360268197.

ClinVar aggregate classification (germline): Uncertain significance. Review status: criteria provided, multiple submitters, no conflicts (2 of 4 stars). 2 submissions from 2 submitters: Uncertain significance (2). Last evaluated 2024-12-27.

Conditions:
Hereditary cancer-predisposing syndrome. Also called: Hereditary Cancer Syndrome; Tumor predisposition; Neoplastic Syndromes, Hereditary; Hereditary neoplastic syndrome. Identifiers: Orphanet 140162, MedGen C0027672, MeSH D009386, MONDO:0015356.

Allele frequency attached by ClinVar (database versions not stated): TOPMed below 0.00001; gnomAD 0.00001.

Submissions (2):

Ambry Genetics
Classification: Uncertain significance for Hereditary cancer-predisposing syndrome. Last evaluated: 2024-12-27. Review status: criteria provided, single submitter. Criteria: Ambry Variant Classification Scheme 2023. Collection method: clinical testing. Allele origin: germline.
Comment: The p.E376V variant (also known as c.1127A>T), located in coding exon 7 of the MSH3 gene, results from an A to T substitution at nucleotide position 1127. The glutamic acid at codon 376 is replaced by valine, an amino acid with dissimilar properties. This amino acid position is well conserved in available vertebrate species. In addition, the in silico prediction for this alteration is inconclusive. Since supporting evidence is limited at this time, the clinical significance of this alteration remains unclear.

Labcorp Genetics (formerly Invitae), Labcorp
Classification: Uncertain significance. Last evaluated: 2023-06-14. Review status: criteria provided, single submitter. Criteria: Invitae Variant Classification Sherloc (09022015). Collection method: clinical testing. Allele origin: germline.
Comment: In summary, the available evidence is currently insufficient to determine the role of this variant in disease. Therefore, it has been classified as a Variant of Uncertain Significance. This sequence change replaces glutamic acid, which is acidic and polar, with valine, which is neutral and non-polar, at codon 376 of the MSH3 protein (p.Glu376Val). An algorithm developed to predict the effect of missense changes on protein structure and function (PolyPhen-2) suggests that this variant is likely to be disruptive. ClinVar contains an entry for this variant (Variation ID: 863825). This variant has not been reported in the literature in individuals affected with MSH3-related conditions. This variant is not present in population databases (gnomAD no frequency).